The following is an entry in ClinVar:

NM_003070.5(SMARCA2):c.3847T>A (p.Trp1283Arg)

Gene: SMARCA2 (SWI/SNF related BAF chromatin remodeling complex subunit ATPase 2; plus strand). Cytogenetic location: 9p24.3.
Variant type: single nucleotide variant.
Coding change: c.3847T>A on transcript NM_003070.5 (MANE Select); coding-DNA position 3847, T replaced by A.
Protein change: p.Trp1283Arg; replaces tryptophan 1283 with arginine.
Molecular consequence: missense variant.
Genome position (GRCh38, 1-based): chr9:2,123,803, T>A. VCF-style: chr9-2123803-T-A. GRCh37 (hg19) VCF-style: chr9-2123803-T-A.
Other names: c.3847T>A, p.Trp1283Arg (NM_001289396.2, NM_139045.4); c.3673T>A, p.Trp1225Arg (NM_001289397.2); short protein forms W1225R, W1283R.
Identifiers: ClinVar variation 3776029 (VCV003776029.1).

ClinVar aggregate classification (germline): Likely pathogenic (1 of 4 stars; one submission).

Conditions:
Nicolaides-Baraitser syndrome (NCBRS). Also called: Intellectual disability-sparse hair-brachydactyly syndrome; SMARCA2-Related Nicolaides-Baraitser Syndrome. Identifiers: Orphanet 3051, MedGen C1303073, MONDO:0011053, OMIM 601358.

Submission:

3billion
Classification: Likely pathogenic for Nicolaides-Baraitser syndrome. Last evaluated: 2024-01-25. Review status: criteria provided, single submitter. Criteria: ACMG Guidelines, 2015. Collection method: clinical testing. Allele origin: germline. Affected: yes.
Comment: The variant is not observed in the gnomAD v2.1.1 dataset. Predicted Consequence/Location: Missense changes are a common disease-causing mechanism. In silico tool predictions suggest damaging effect of the variant on gene or gene product [REVEL: 0.72 (>=0.6, sensitivity 0.68 and specificity 0.92); 3Cnet: 0.81 (>=0.6, sensitivity 0.72 and precision 0.9)]. A different missense change at the same codon (p.Trp1283Cys) has been reported as pathogenic/likely pathogenic with strong evidence (ClinVar ID: VCV000373701, VCV001700173). Therefore, this variant is classified as Likely pathogenic according to the recommendation of ACMG/AMP guideline.